The following is an entry in ClinVar:

ClinVar aggregate classification (germline): Conflicting classifications of pathogenicity. Review status: criteria provided, conflicting classifications (1 of 4 stars). 4 submissions from 4 submitters: Uncertain significance (2); Likely benign (2). Last evaluated 2024-11-04.

Allele frequency attached by ClinVar (database versions not stated): gnomAD exomes below 0.00001; gnomAD 0.00003; TOPMed 0.00003.
gnomAD v4.1: 9 of 1,612,980 alleles (0.00056%); highest among the groups gnomAD compares: African/African-American, 0.011%; no homozygotes.

Submissions (4):

GeneDx
Classification: Uncertain significance. Last evaluated: 2024-11-04. Review status: criteria provided, single submitter. Criteria: GeneDx Variant Classification Process June 2021. Collection method: clinical testing. Allele origin: germline. Affected: yes.
Comment: In silico analysis indicates that this missense variant does not alter protein structure/function; Has not been previously published as pathogenic or benign to our knowledge

Labcorp Genetics (formerly Invitae), Labcorp
Classification: Likely benign. Last evaluated: 2024-04-05. Review status: criteria provided, single submitter. Criteria: Invitae Variant Classification Sherloc (09022015). Collection method: clinical testing. Allele origin: germline.

Blueprint Genetics
Classification: Uncertain significance. Last evaluated: 2023-08-29. Review status: criteria provided, single submitter. Criteria: ACMG Guidelines, 2015. Collection method: clinical testing. Allele origin: germline.

Laboratory for Molecular Medicine, Mass General Brigham Personalized Medicine
Classification: Likely benign. Last evaluated: 2013-10-05. Review status: criteria provided, single submitter. Criteria: LMM Criteria. Collection method: clinical testing. Allele origin: germline. Observed: 1 variant allele.
Comment: Ala4241Thr in Exon 63 of GPR98: This variant is not expected to have clinical si gnificance due to a low conservation across species, including mammals. In addit ion, computational analyses (biochemical amino acid properties, conservation, Al ignGVGD, PolyPhen2, and SIFT) suggest that the variant may not impact the protei n.

NM_032119.4(ADGRV1):c.12721G>A (p.Ala4241Thr)

Gene: ADGRV1 (adhesion G protein-coupled receptor V1; plus strand). Cytogenetic location: 5q14.3.
Variant type: single nucleotide variant.
Coding change: c.12721G>A on transcript NM_032119.4 (MANE Select); coding-DNA position 12721, G replaced by A.
Protein change: p.Ala4241Thr; replaces alanine 4241 with threonine.
Molecular consequence: missense variant. On other transcripts: non-coding transcript variant (1).
Genome position (GRCh38, 1-based): chr5:90,778,481, G>A. VCF-style: chr5-90778481-G-A. GRCh37 (hg19) VCF-style: chr5-90074298-G-A.
Other names: short protein forms A4241T.
Identifiers: ClinVar variation 179102 (VCV000179102.16), dbSNP rs727504627, ClinGen allele CA183738.